The following is an entry in ClinVar:

NM_019032.6(ADAMTSL4):c.3083G>A (p.Arg1028His)

Genes: ADAMTSL4 (ADAMTS like 4; plus strand), LOC129931410 (ATAC-STARR-seq lymphoblastoid active region 1691; plus strand). Cytogenetic location: 1q21.2.
Variant type: single nucleotide variant.
Coding change: c.3083G>A on transcript NM_019032.6 (MANE Select); coding-DNA position 3083, G replaced by A.
Protein change: p.Arg1028His; replaces arginine 1028 with histidine.
Molecular consequence: missense variant.
Genome position (GRCh38, 1-based): chr1:150,559,900, G>A. VCF-style: chr1-150559900-G-A. GRCh37 (hg19) VCF-style: chr1-150532376-G-A.
Other names: c.2966G>A, p.Arg989His (NM_001288607.2); c.3152G>A, p.Arg1051His (NM_001288608.2); c.3083G>A, p.Arg1028His (NM_001378596.1); short protein forms R989H, R1028H, R1051H.
Identifiers: ClinVar variation 876460 (VCV000876460.22), dbSNP rs56411234, ClinGen allele CA1078938.

ClinVar aggregate classification (germline): Benign/Likely benign. Review status: criteria provided, multiple submitters, no conflicts (2 of 4 stars). 8 submissions from 7 submitters: Benign (2); Likely benign (5). 1 of the submissions does not count toward it. Last evaluated 2026-02-04.

Conditions:
Ectopia lentis et pupillae. Also called: ECTOPIA LENTIS WITH ECTOPIA OF PUPIL. Identifiers: Orphanet 1885, MedGen C1644196, MONDO:0009153, OMIM 225200.
Ectopia lentis 2, isolated, autosomal recessive (ECTOL2). Identifiers: Orphanet 1885, MedGen C3541474, MONDO:0009152, OMIM 225100.
ADAMTSL4-related disorder. Also called: ADAMTSL4-related condition; ADAMTSL4-Related Disorders.

Allele frequency attached by ClinVar (database versions not stated): 1000 Genomes Project 0.00759; 1000 Genomes Project 30x 0.00765; ExAC 0.01551; gnomAD exomes 0.01585 and 0.02724; TOPMed 0.01704; gnomAD 0.01715 and 0.01782; ESP Exome Variant Server 0.02222.
gnomAD v4.1: 42,184 of 1,613,792 alleles (2.6%); highest among the groups gnomAD compares: Non-Finnish European, 3.3%; 722 homozygotes.

Submissions (8):

Labcorp Genetics (formerly Invitae), Labcorp
Classification: Benign. Last evaluated: 2026-02-04. Review status: criteria provided, single submitter. Criteria: Invitae Variant Classification Sherloc (09022015). Collection method: clinical testing. Allele origin: germline.

GeneDx
Classification: Likely benign. Last evaluated: 2024-12-03. Review status: criteria provided, single submitter. Criteria: GeneDx Variant Classification Process June 2021. Collection method: clinical testing. Allele origin: germline. Affected: yes.
Comment: See Variant Classification Assertion Criteria.

Blueprint Genetics
Classification: Likely benign. Last evaluated: 2024-11-25. Review status: criteria provided, single submitter. Criteria: ACMG Guidelines, 2015. Collection method: clinical testing. Allele origin: germline.

Genome-Nilou Lab
Classification: Likely benign for Ectopia lentis et pupillae. Last evaluated: 2023-04-11. Review status: criteria provided, single submitter. Criteria: ACMG Guidelines, 2015. Collection method: clinical testing. Allele origin: germline. Affected: no.

Genome-Nilou Lab
Classification: Likely benign for Ectopia lentis 2, isolated, autosomal recessive. Last evaluated: 2023-04-11. Review status: criteria provided, single submitter. Criteria: ACMG Guidelines, 2015. Collection method: clinical testing. Allele origin: germline. Affected: no.

Illumina Laboratory Services, Illumina
Classification: Benign for Ectopia lentis 2, isolated, autosomal recessive. Last evaluated: 2018-01-13. Review status: criteria provided, single submitter. Criteria: ICSL Variant Classification Criteria 13 December 2019. Collection method: clinical testing. Allele origin: germline.
Comment: This variant was observed in the ICSL laboratory as part of a predisposition screen in an ostensibly healthy population. It had not been previously curated by ICSL or reported in the Human Gene Mutation Database (HGMD: prior to June 1st, 2018), and was therefore a candidate for classification through an automated scoring system. Utilizing variant allele frequency, disease prevalence and penetrance estimates, and inheritance mode, an automated score was calculated to assess if this variant is too frequent to cause the disease. Based on the score and internal cut-off values, a variant classified as benign is not then subjected to further curation. The score for this variant resulted in a classification of benign for this disease.

Breakthrough Genomics
Classification: Likely benign. Review status: criteria provided, single submitter. Criteria: ACMG Guidelines, 2015. Collection method: not provided. Allele origin: germline. Inheritance: Autosomal recessive inheritance. Affected: yes.

PreventionGenetics, part of Exact Sciences
Classification: Benign for ADAMTSL4-related condition. Last evaluated: 2019-03-14. Review status: no assertion criteria provided. Collection method: clinical testing. Allele origin: germline. Not counted in ClinVar's aggregate classification.
Comment: This variant is classified as benign based on ACMG/AMP sequence variant interpretation guidelines (Richards et al. 2015 PMID: 25741868, with internal and published modifications).